The following is an entry in ClinVar:

NM_001394372.1(BICRA):c.4331T>C (p.Leu1444Pro)

Gene: BICRA (BRD4 interacting chromatin remodeling complex associated protein; plus strand). Cytogenetic location: 19q13.33.
Variant type: single nucleotide variant.
Coding change: c.4331T>C on transcript NM_001394372.1 (MANE Select); coding-DNA position 4331, T replaced by C.
Protein change: p.Leu1444Pro; replaces leucine 1444 with proline.
Molecular consequence: missense variant.
Genome position (GRCh38, 1-based): chr19:47,702,063, T>C. VCF-style: chr19-47702063-T-C. GRCh37 (hg19) VCF-style: chr19-48205320-T-C.
Other names: c.4331T>C, p.Leu1444Pro (NM_015711.3); short protein forms L1444P.
Identifiers: ClinVar variation 3768122 (VCV003768122.1).

ClinVar aggregate classification (germline): Uncertain significance (1 of 4 stars; one submission).

gnomAD v4.1: 3 of 1,510,474 alleles (0.0002%); highest among the groups gnomAD compares: Non-Finnish European, 0.00026%; no homozygotes.

Submission:

Women's Health and Genetics/Laboratory Corporation of America, LabCorp
Classification: Uncertain significance. Last evaluated: 2024-12-11. Review status: criteria provided, single submitter. Criteria: LabCorp Variant Classification Summary - May 2015. Collection method: clinical testing. Allele origin: germline.
Comment: Variant summary: BICRA c.4331T>C (p.Leu1444Pro) results in a non-conservative amino acid change in the encoded protein sequence. Three of five in-silico tools predict a benign effect of the variant on protein function. The variant was absent in 106208 control chromosomes. The available data on variant occurrences in the general population are insufficient to allow any conclusion about variant significance. To our knowledge, no occurrence of c.4331T>C in individuals affected with Coffin-Siris Syndrome 12 and no experimental evidence demonstrating its impact on protein function have been reported. No submitters have cited clinical-significance assessments for this variant to ClinVar. Based on the evidence outlined above, the variant was classified as uncertain significance.